The following is an entry in ClinVar:

NM_174936.4(PCSK9):c.461T>C (p.Ile154Thr)

Gene: PCSK9 (proprotein convertase subtilisin/kexin type 9; plus strand). Cytogenetic location: 1p32.3.
Variant type: single nucleotide variant.
Coding change: c.461T>C on transcript NM_174936.4 (MANE Select); coding-DNA position 461, T replaced by C.
Protein change: p.Ile154Thr; replaces isoleucine 154 with threonine.
Molecular consequence: missense variant.
Genome position (GRCh38, 1-based): chr1:55,046,584, T>C. VCF-style: chr1-55046584-T-C. GRCh37 (hg19) VCF-style: chr1-55512257-T-C.
Other names: short protein forms I154T.
Identifiers: ClinVar variation 1172189 (VCV001172189.3), dbSNP rs2100276236, ClinGen allele CA340484700.

ClinVar aggregate classification (germline): Uncertain significance (1 of 4 stars; one submission).

Conditions:
Familial hypercholesterolemia. Also called: Familial hypercholesterolaemia. Identifiers: MedGen C0020445, MONDO:0005439.

gnomAD v4.1: 1 of 1,614,142 alleles (0.000062%); highest among the groups gnomAD compares: Non-Finnish European, 0.000085%; no homozygotes.

Submission:

Color Diagnostics, LLC DBA Color Health
Classification: Uncertain significance for Familial hypercholesterolemia. Last evaluated: 2024-03-06. Review status: criteria provided, single submitter. Criteria: ACMG Guidelines, 2015. Collection method: clinical testing. Allele origin: germline.
Comment: This missense variant replaces isoleucine with threonine at codon 154 of the PCSK9 protein. Computational prediction suggests that this variant may not impact protein structure and function (internally defined REVEL score threshold <= 0.5, PMID: 27666373). To our knowledge, functional studies have not been reported for this variant. This variant has not been reported in individuals affected with familial hypercholesterolemia in the literature. This variant has not been identified in the general population by the Genome Aggregation Database (gnomAD). The available evidence is insufficient to determine the role of this variant in disease conclusively. Therefore, this variant is classified as a Variant of Uncertain Significance.